The following is an entry in ClinVar:

NM_152393.4(KLHL40):c.236C>T (p.Pro79Leu)

Gene: KLHL40 (kelch like family member 40; plus strand). Cytogenetic location: 3p22.1.
Variant type: single nucleotide variant.
Coding change: c.236C>T on transcript NM_152393.4 (MANE Select); coding-DNA position 236, C replaced by T.
Protein change: p.Pro79Leu; replaces proline 79 with leucine.
Molecular consequence: missense variant.
Genome position (GRCh38, 1-based): chr3:42,685,854, C>T. VCF-style: chr3-42685854-C-T. GRCh37 (hg19) VCF-style: chr3-42727346-C-T.
Other names: c.236C>T (NM_152393.2); short protein forms P79L.
Identifiers: ClinVar variation 998848 (VCV000998848.3), dbSNP rs779637973, ClinGen allele CA2336605.

ClinVar aggregate classification (germline): Uncertain significance. Review status: criteria provided, multiple submitters, no conflicts (2 of 4 stars). 2 submissions from 2 submitters: Uncertain significance (2). Last evaluated 2024-04-01.

Conditions:
Inborn genetic diseases. Identifiers: MedGen C0950123, MeSH D030342.
Nemaline myopathy 8 (NEM8). Also called: Nemaline myopathy 8, autosomal recessive. Identifiers: Orphanet 171430, MedGen C3809209, MONDO:0014138, OMIM 615348.

Allele frequency attached by ClinVar (database versions not stated): gnomAD exomes 0.00001 and 0.00003; TOPMed 0.00014; gnomAD 0.00016 and 0.00017; ExAC 0.00001.
gnomAD v4.1: 44 of 1,613,030 alleles (0.0027%); highest among the groups gnomAD compares: Admixed American, 0.05%; no homozygotes.

Submissions (2):

Ambry Genetics
Classification: Uncertain significance for Inborn genetic diseases. Last evaluated: 2024-04-01. Review status: criteria provided, single submitter. Criteria: Ambry Variant Classification Scheme 2023. Collection method: clinical testing. Allele origin: germline.

Labcorp Genetics (formerly Invitae), Labcorp
Classification: Uncertain significance for Nemaline myopathy 8. Last evaluated: 2021-08-31. Review status: criteria provided, single submitter. Criteria: Invitae Variant Classification Sherloc (09022015). Collection method: clinical testing. Allele origin: germline.
Comment: This sequence change replaces proline with leucine at codon 79 of the KLHL40 protein (p.Pro79Leu). The proline residue is highly conserved and there is a moderate physicochemical difference between proline and leucine. This variant is present in population databases (rs779637973, ExAC 0.002%). This variant has not been reported in the literature in individuals affected with KLHL40-related conditions. Algorithms developed to predict the effect of missense changes on protein structure and function (SIFT, PolyPhen-2, Align-GVGD) all suggest that this variant is likely to be disruptive. In summary, the available evidence is currently insufficient to determine the role of this variant in disease. Therefore, it has been classified as a Variant of Uncertain Significance.